The following is an entry in ClinVar:

NM_003072.5(SMARCA4):c.272A>G (p.Asn91Ser)

Gene: SMARCA4 (SWI/SNF related BAF chromatin remodeling complex subunit ATPase 4; plus strand). Cytogenetic location: 19p13.2.
Variant type: single nucleotide variant.
Coding change: c.272A>G on transcript NM_003072.5 (MANE Select); coding-DNA position 272, A replaced by G.
Protein change: p.Asn91Ser; replaces asparagine 91 with serine.
Molecular consequence: missense variant. On other transcripts: non-coding transcript variant (1).
Genome position (GRCh38, 1-based): chr19:10,985,322, A>G. VCF-style: chr19-10985322-A-G. GRCh37 (hg19) VCF-style: chr19-11095998-A-G.
Other names: c.272A>G (NM_001128849.1); c.272A>G, p.Asn91Ser (NM_001128844.3, NM_001128845.2, NM_001128846.2 and 6 more transcripts); short protein forms N91S.
Identifiers: ClinVar variation 2175956 (VCV002175956.5), dbSNP rs2513969795, ClinGen allele CA404055183.
Genomic context (GRCh38, chr19:10,985,322, plus strand): 5'-CCCTCTCGCAGCCCATGGAGTCCATGCATGAGAAGGGCATGTCGGACGACCCGCGCTACA[A>G]CCAGATGAAAGGAATGGGGATGCGGTCAGGGGGCCATGCTGGGATGGGGCCCCCGCCCAG-3'
Protein context (NP_003063.2, residues 81-101): EKGMSDDPRY[Asn91Ser]QMKGMGMRSG

ClinVar aggregate classification (germline): Uncertain significance. Review status: criteria provided, multiple submitters, no conflicts (2 of 4 stars). 2 submissions from 2 submitters: Uncertain significance (2). Last evaluated 2025-09-29.

Conditions:
Hereditary cancer-predisposing syndrome. Also called: Tumor predisposition; Hereditary neoplastic syndrome; Neoplastic Syndromes, Hereditary; Hereditary Cancer Syndrome. Identifiers: Orphanet 140162, MedGen C0027672, MeSH D009386, MONDO:0015356.
Rhabdoid tumor predisposition syndrome 2 (RTPS2). Identifiers: Orphanet 231108, Orphanet 69077, MedGen C2750074, MONDO:0013224, OMIM 613325.

Submissions (2):

Labcorp Genetics (formerly Invitae), Labcorp
Classification: Uncertain significance for Rhabdoid tumor predisposition syndrome 2. Last evaluated: 2025-09-29. Review status: criteria provided, single submitter. Criteria: Invitae Variant Classification Sherloc (09022015). Collection method: clinical testing. Allele origin: germline.
Comment: This sequence change replaces asparagine, which is neutral and polar, with serine, which is neutral and polar, at codon 91 of the SMARCA4 protein (p.Asn91Ser). This variant is not present in population databases (gnomAD no frequency). This variant has not been reported in the literature in individuals affected with SMARCA4-related conditions. ClinVar contains an entry for this variant (Variation ID: 2175956). Invitae Evidence Modeling of protein sequence and biophysical properties (such as structural, functional, and spatial information, amino acid conservation, physicochemical variation, residue mobility, and thermodynamic stability) indicates that this missense variant is not expected to disrupt SMARCA4 protein function with a negative predictive value of 95%. In summary, the available evidence is currently insufficient to determine the role of this variant in disease. Therefore, it has been classified as a Variant of Uncertain Significance.

Ambry Genetics
Classification: Uncertain significance for Hereditary cancer-predisposing syndrome. Last evaluated: 2025-03-24. Review status: criteria provided, single submitter. Criteria: Ambry Variant Classification Scheme 2023. Collection method: clinical testing. Allele origin: germline.
Comment: The p.N91S variant (also known as c.272A>G), located in coding exon 2 of the SMARCA4 gene, results from an A to G substitution at nucleotide position 272. The asparagine at codon 91 is replaced by serine, an amino acid with highly similar properties. This amino acid position is conserved. In addition, this alteration is predicted to be tolerated by in silico analysis. Based on the available evidence, the clinical significance of this variant remains unclear.